The following is an entry in ClinVar:

ClinVar aggregate classification (germline): Uncertain significance (1 of 4 stars; one submission).

Allele frequency attached by ClinVar (database versions not stated): gnomAD exomes 0.00001; TOPMed 0.00006.

Submission:

Labcorp Genetics (formerly Invitae), Labcorp
Classification: Uncertain significance. Last evaluated: 2022-08-09. Review status: criteria provided, single submitter. Criteria: Invitae Variant Classification Sherloc (09022015). Collection method: clinical testing. Allele origin: germline.
Comment: This sequence change replaces glutamine, which is neutral and polar, with leucine, which is neutral and non-polar, at codon 520 of the KIAA1549 protein (p.Gln520Leu). The frequency data for this variant in the population databases is considered unreliable, as metrics indicate poor data quality at this position in the gnomAD database. This variant has not been reported in the literature in individuals affected with KIAA1549-related conditions. ClinVar contains an entry for this variant (Variation ID: 959439). Algorithms developed to predict the effect of missense changes on protein structure and function output the following: SIFT: "Deleterious"; PolyPhen-2: "Benign"; Align-GVGD: "Class C0". The leucine amino acid residue is found in multiple mammalian species, which suggests that this missense change does not adversely affect protein function. In summary, the available evidence is currently insufficient to determine the role of this variant in disease. Therefore, it has been classified as a Variant of Uncertain Significance.

NM_001164665.2(KIAA1549):c.1559A>T (p.Gln520Leu)

Gene: KIAA1549 (KIAA1549; minus strand). Cytogenetic location: 7q34.
Variant type: single nucleotide variant.
Coding change: c.1559A>T on transcript NM_001164665.2 (MANE Select); coding-DNA position 1559, A replaced by T.
Protein change: p.Gln520Leu; replaces glutamine 520 with leucine.
Molecular consequence: missense variant.
Genome position (GRCh38, 1-based): chr7:138,918,067, T>A on the plus strand (A>T on the coding strand, the complement: KIAA1549 is on the minus strand). VCF-style: chr7-138918067-T-A. GRCh37 (hg19) VCF-style: chr7-138602813-T-A.
Other names: c.1559A>T, p.Gln520Leu (NM_020910.3); short protein forms Q520L.
Identifiers: ClinVar variation 959439 (VCV000959439.5), dbSNP rs1033378020, ClinGen allele CA167163902.